The following is an entry in ClinVar:

ClinVar aggregate classification (germline): Uncertain significance. Review status: criteria provided, multiple submitters, no conflicts (2 of 4 stars). 2 submissions from 2 submitters: Uncertain significance (2). Last evaluated 2024-04-26.

Conditions:
Stüve-Wiedemann syndrome 1. Also called: STUVE-WIEDEMANN/SCHWARTZ-JAMPEL TYPE 2 SYNDROME. Identifiers: Orphanet 3206, MedGen C5676888, MONDO:0800043, OMIM 601559.

Submissions (2):

Fulgent Genetics
Classification: Uncertain significance for Stüve-Wiedemann syndrome 1. Last evaluated: 2024-04-26. Review status: criteria provided, single submitter. Criteria: ACMG Guidelines, 2015. Collection method: clinical testing. Allele origin: germline.

Labcorp Genetics (formerly Invitae), Labcorp
Classification: Uncertain significance. Last evaluated: 2022-07-30. Review status: criteria provided, single submitter. Criteria: Invitae Variant Classification Sherloc (09022015). Collection method: clinical testing. Allele origin: germline.
Comment: This sequence change creates a premature translational stop signal (p.Trp1085*) in the LIFR gene. While this is not anticipated to result in nonsense mediated decay, it is expected to disrupt the last 13 amino acid(s) of the LIFR protein. This variant is not present in population databases (gnomAD no frequency). This variant has not been reported in the literature in individuals affected with LIFR-related conditions. In summary, the available evidence is currently insufficient to determine the role of this variant in disease. Therefore, it has been classified as a Variant of Uncertain Significance.

NM_001127671.2(LIFR):c.3254G>A (p.Trp1085Ter)

Gene: LIFR (LIF receptor subunit alpha; minus strand). Cytogenetic location: 5p13.1.
Variant type: single nucleotide variant.
Coding change: c.3254G>A on transcript NM_001127671.2 (MANE Select); coding-DNA position 3254, G replaced by A.
Protein change: p.Trp1085Ter; replaces tryptophan 1085 with a stop codon.
Molecular consequence: nonsense.
Genome position (GRCh38, 1-based): chr5:38,481,635, C>T on the plus strand (G>A on the coding strand, the complement: LIFR is on the minus strand). VCF-style: chr5-38481635-C-T. GRCh37 (hg19) VCF-style: chr5-38481737-C-T.
Other names: c.3254G>A, p.Trp1085Ter (NM_001364297.2, NM_002310.6); c.3221G>A, p.Trp1074Ter (NM_001364298.2); short protein forms W1074*, W1085*.
Identifiers: ClinVar variation 1948121 (VCV001948121.6), dbSNP rs2530932659, ClinGen allele CA359533146.